The following is an entry in ClinVar:

ClinVar aggregate classification (germline): Uncertain significance (1 of 4 stars; one submission).

Conditions:
Cardiovascular phenotype. Identifiers: MedGen CN230736.

gnomAD v4.1: 4 of 1,550,006 alleles (0.00026%); highest among the groups gnomAD compares: African/African-American, 0.0027%; no homozygotes.

Submission:

Ambry Genetics
Classification: Uncertain significance for Cardiovascular phenotype. Last evaluated: 2026-05-14. Review status: criteria provided, single submitter. Criteria: Ambry Variant Classification Scheme 2023. Collection method: clinical testing. Allele origin: germline.
Comment: The p.S637N variant (also known as c.1910G>A), located in coding exon 15 of the ENG gene, results from a G to A substitution at nucleotide position 1910. The serine at codon 637 is replaced by asparagine, an amino acid with highly similar properties. This amino acid position is conserved. In addition, this alteration is predicted to be tolerated by in silico analysis. Based on the available evidence, the clinical significance of this variant remains unclear.

NM_001114753.3(ENG):c.1910G>A (p.Ser637Asn)

Gene: ENG (endoglin; minus strand). Cytogenetic location: 9q34.11.
Variant type: single nucleotide variant.
Coding change: c.1910G>A on transcript NM_001114753.3 (MANE Select); coding-DNA position 1910, G replaced by A.
Protein change: p.Ser637Asn; replaces serine 637 with asparagine.
Molecular consequence: missense variant. On other transcripts: 3 prime UTR variant (1).
Genome position (GRCh38, 1-based): chr9:127,815,749, C>T on the plus strand (G>A on the coding strand, the complement: ENG is on the minus strand). VCF-style: chr9-127815749-C-T. GRCh37 (hg19) VCF-style: chr9-130578028-C-T.
Other names: c.*168G>A (NM_000118.4); c.1364G>A, p.Ser455Asn (NM_001278138.2); short protein forms S455N, S637N.
Identifiers: ClinVar variation 4870403 (VCV004870403.1).